The following is an entry in ClinVar:

NM_000540.3(RYR1):c.4680C>T (p.Val1560=)

Gene: RYR1 (ryanodine receptor 1; plus strand). Cytogenetic location: 19q13.2.
Variant type: single nucleotide variant.
Coding change: c.4680C>T on transcript NM_000540.3 (MANE Select); coding-DNA position 4680, C replaced by T.
Protein change: p.Val1560=; no amino-acid change (valine 1560 retained).
Molecular consequence: synonymous variant.
Genome position (GRCh38, 1-based): chr19:38,483,086, C>T. VCF-style: chr19-38483086-C-T. GRCh37 (hg19) VCF-style: chr19-38973726-C-T.
Other names: c.4680C>T (NM_000540.2); c.4680C>T, p.Val1560= (NM_001042723.2).
Identifiers: ClinVar variation 1592669 (VCV001592669.37), dbSNP rs1286297212, ClinGen allele CA081602.

ClinVar aggregate classification (germline): Likely benign. Review status: criteria provided, multiple submitters, no conflicts (2 of 4 stars). 3 submissions from 3 submitters: Likely benign (3). Last evaluated 2025-03-06.

Conditions:
RYR1-related disorder. Also called: RYR1-related condition; RYR1-related disorders. Identifiers: MedGen CN239331.

Allele frequency attached by ClinVar (database versions not stated): gnomAD exomes below 0.00001; gnomAD 0.00001.
gnomAD v4.1: 5 of 1,613,992 alleles (0.00031%); highest among the groups gnomAD compares: South Asian, 0.0044%; no homozygotes.

Submissions (3):

Labcorp Genetics (formerly Invitae), Labcorp
Classification: Likely benign for RYR1-related disorder. Last evaluated: 2025-03-06. Review status: criteria provided, single submitter. Criteria: Invitae Variant Classification Sherloc (09022015). Collection method: clinical testing. Allele origin: germline.

PreventionGenetics, part of Exact Sciences
Classification: Likely benign for RYR1-related condition. Last evaluated: 2024-12-17. Review status: criteria provided, single submitter. Criteria: ACMG Guidelines, 2015. Collection method: clinical testing. Allele origin: germline.
Comment: This variant is classified as likely benign based on ACMG/AMP sequence variant interpretation guidelines (Richards et al. 2015 PMID: 25741868, with internal and published modifications).

CeGaT Center for Human Genetics Tuebingen
Classification: Likely benign. Last evaluated: 2022-11-01. Review status: criteria provided, single submitter. Criteria: CeGaT Center For Human Genetics Tuebingen Variant Classification Criteria Version 2. Collection method: clinical testing. Allele origin: germline. Affected: yes. Observed: 1 variant allele.
Comment: RYR1: BP4, BP7